The following is an entry in ClinVar:

NM_003235.5(TG):c.2534T>G (p.Val845Gly)

Gene: TG (thyroglobulin; plus strand). Cytogenetic location: 8q24.22.
Variant type: single nucleotide variant.
Coding change: c.2534T>G on transcript NM_003235.5 (MANE Select); coding-DNA position 2534, T replaced by G.
Protein change: p.Val845Gly; replaces valine 845 with glycine.
Molecular consequence: missense variant.
Genome position (GRCh38, 1-based): chr8:132,888,341, T>G. VCF-style: chr8-132888341-T-G. GRCh37 (hg19) VCF-style: chr8-133900586-T-G.
Other names: short protein forms V845G.
Identifiers: ClinVar variation 4687177 (VCV004687177.1).

ClinVar aggregate classification (germline): Uncertain significance (1 of 4 stars; one submission).

gnomAD v4.1: 1 of 1,613,952 alleles (0.000062%); highest among the groups gnomAD compares: Admixed American, 0.0017%; no homozygotes.

Submission:

Women's Health and Genetics/Laboratory Corporation of America, LabCorp
Classification: Uncertain significance. Last evaluated: 2025-10-20. Review status: criteria provided, single submitter. Criteria: LabCorp Variant Classification Summary - May 2015. Collection method: clinical testing. Allele origin: germline.
Comment: Variant summary: TG c.2534T>G (p.Val845Gly) results in a non-conservative amino acid change in the encoded protein sequence. Algorithms developed to predict the effect of missense changes on protein structure and function are either unavailable or do not agree on the potential impact of this missense change. The variant allele was found at a frequency of 8e-06 in 251440 control chromosomes. The available data on variant occurrences in the general population are insufficient to allow any conclusion about variant significance. To our knowledge, no occurrence of c.2534T>G in individuals affected with TG-related conditions and no experimental evidence demonstrating its impact on protein function have been reported. No submitters have cited clinical-significance assessments for this variant to ClinVar. Based on the evidence outlined above, the variant was classified as uncertain significance.